The following is an entry in ClinVar:

NM_001195248.2(APTX):c.739C>T (p.Arg247Ter)

Gene: APTX (aprataxin; minus strand). Cytogenetic location: 9p21.1.
Variant type: single nucleotide variant.
Coding change: c.739C>T on transcript NM_001195248.2 (MANE Select); coding-DNA position 739, C replaced by T.
Protein change: p.Arg247Ter; replaces arginine 247 with a stop codon.
Molecular consequence: nonsense. On other transcripts: non-coding transcript variant (9).
Genome position (GRCh38, 1-based): chr9:32,984,662, G>A on the plus strand (C>T on the coding strand, the complement: APTX is on the minus strand). VCF-style: chr9-32984662-G-A. GRCh37 (hg19) VCF-style: chr9-32984660-G-A.
Other names: c.739C>T, p.Arg247Ter (NM_001195249.2, NM_001195251.2, NM_001368995.1 and 6 more transcripts); c.577C>T, p.Arg193Ter (NM_001195250.2, NM_001195254.2, NM_001369000.1 and 1 more transcripts); c.523C>T, p.Arg175Ter (NM_001195252.2); c.475C>T, p.Arg159Ter (NM_001370673.1, NM_001369002.1, NM_001369003.1 and 5 more transcripts); c.217C>T, p.Arg73Ter (NM_175071.1); short protein forms R159*, R175*, R193*, R247*, R73*.
Identifiers: ClinVar variation 2571331 (VCV002571331.30), dbSNP rs778258042, ClinGen allele CA5022337.

ClinVar aggregate classification (germline): Pathogenic/Likely pathogenic. Review status: criteria provided, multiple submitters, no conflicts (2 of 4 stars). 3 submissions from 3 submitters: Pathogenic (2); Likely pathogenic (1). Last evaluated 2024-01-11.

Conditions:
APTX-related disorder. Also called: APTX-related condition.
Epilepsy. Also called: Seizure disorder. Identifiers: MedGen C0014544, MeSH D004827, MONDO:0005027.

Allele frequency attached by ClinVar (database versions not stated): ExAC 0.00001; TOPMed 0.00001; gnomAD 0.00003.

Submissions (3):

Unidad de Genómica Garrahan, Hospital de Pediatría Garrahan
Classification: Pathogenic for Epilepsy. Last evaluated: 2024-01-11. Review status: criteria provided, single submitter. Criteria: ACMG Guidelines, 2015. Collection method: clinical testing. Allele origin: germline. Affected: yes.

CeGaT Center for Human Genetics Tuebingen
Classification: Pathogenic. Last evaluated: 2023-04-01. Review status: criteria provided, single submitter. Criteria: CeGaT Center For Human Genetics Tuebingen Variant Classification Criteria Version 2. Collection method: clinical testing. Allele origin: germline. Affected: yes. Observed: 1 variant allele.
Comment: APTX: PVS1:Strong, PM2, PM3, PP4:Moderate

Blueprint Genetics
Classification: Likely pathogenic for APTX-related disorders. Last evaluated: 2020-08-07. Review status: criteria provided, single submitter. Criteria: ACMG Guidelines, 2015. Collection method: clinical testing. Allele origin: germline. Affected: yes. Observed: 1 variant allele.